The following is an entry in ClinVar:

ClinVar aggregate classification (germline): Uncertain significance (1 of 4 stars; one submission).

Conditions:
Hereditary cancer-predisposing syndrome. Also called: Neoplastic Syndromes, Hereditary; Tumor predisposition; Hereditary neoplastic syndrome; Hereditary Cancer Syndrome. Identifiers: Orphanet 140162, MedGen C0027672, MeSH D009386, MONDO:0015356.

Submission:

Ambry Genetics
Classification: Uncertain significance for Hereditary cancer-predisposing syndrome. Last evaluated: 2022-12-09. Review status: criteria provided, single submitter. Criteria: Ambry Variant Classification Scheme 2023. Collection method: clinical testing. Allele origin: germline.
Comment: The p.S701G variant (also known as c.2101A>G), located in coding exon 7 of the MET gene, results from an A to G substitution at nucleotide position 2101. The serine at codon 701 is replaced by glycine, an amino acid with similar properties. This amino acid position is highly conserved in available vertebrate species. In addition, the in silico prediction for this alteration is inconclusive. Since supporting evidence is limited at this time, the clinical significance of this alteration remains unclear.

NM_000245.4(MET):c.2101A>G (p.Ser701Gly)

Gene: MET (MET proto-oncogene, receptor tyrosine kinase; plus strand). Cytogenetic location: 7q31.2.
Variant type: single nucleotide variant.
Coding change: c.2101A>G on transcript NM_000245.4 (MANE Select); coding-DNA position 2101, A replaced by G.
Protein change: p.Ser701Gly; replaces serine 701 with glycine.
Molecular consequence: missense variant.
Genome position (GRCh38, 1-based): chr7:116,757,773, A>G. VCF-style: chr7-116757773-A-G. GRCh37 (hg19) VCF-style: chr7-116397827-A-G.
Other names: c.2101A>G, p.Ser701Gly (NM_001127500.3, NM_001324401.3); c.811A>G, p.Ser271Gly (NM_001324402.2); short protein forms S271G, S701G.
Identifiers: ClinVar variation 3232925 (VCV003232925.1), dbSNP rs2116925486, ClinGen allele CA368980296.